The following is an entry in ClinVar:

NM_000135.4(FANCA):c.3026G>T (p.Gly1009Val)

Gene: FANCA (FA complementation group A; minus strand). Cytogenetic location: 16q24.3.
Variant type: single nucleotide variant.
Coding change: c.3026G>T on transcript NM_000135.4 (MANE Select); coding-DNA position 3026, G replaced by T.
Protein change: p.Gly1009Val; replaces glycine 1009 with valine.
Molecular consequence: missense variant.
Genome position (GRCh38, 1-based): chr16:89,752,178, C>A on the plus strand (G>T on the coding strand, the complement: FANCA is on the minus strand). VCF-style: chr16-89752178-C-A. GRCh37 (hg19) VCF-style: chr16-89818586-C-A.
Other names: c.3026G>T, p.Gly1009Val (NM_001286167.3); c.3026G>T (NM_000135.3); short protein forms G1009V.
Identifiers: ClinVar variation 1914730 (VCV001914730.7), dbSNP rs202073350, ClinGen allele CA397426137.
Genomic context (GRCh38, chr16:89,752,178, plus strand): 5'-TGTGGCACCCTCAAACTCACCTGCAATCTGGAAATAATATCCTCATTTCCTGTGCGGCCA[C>A]CAAAGACCAAATCAGAATTTTCTGAGTGGTCATAACTCCTTGAGCTGAAATGAAAATACA-3'
Protein context (NP_000126.2, residues 999-1019): DHSENSDLVF[Gly1009Val]GRTGNEDIIS

ClinVar aggregate classification (germline): Uncertain significance. Review status: criteria provided, multiple submitters, no conflicts (2 of 4 stars). 3 submissions from 3 submitters: Uncertain significance (3). Last evaluated 2025-07-28.

Conditions:
Inborn genetic diseases. Identifiers: MedGen C0950123, MeSH D030342.
Fanconi anemia (FA). Also called: Fanconi's anemia. Identifiers: Orphanet 84, MedGen C0015625, MeSH D005199, MONDO:0019391.

gnomAD v4.1: 3 of 1,614,166 alleles (0.00019%); highest among the groups gnomAD compares: East Asian, 0.0022%; no homozygotes.

Submissions (3):

Ambry Genetics
Classification: Uncertain significance for Inborn genetic diseases. Last evaluated: 2025-07-28. Review status: criteria provided, single submitter. Criteria: Ambry Variant Classification Scheme 2023. Collection method: clinical testing. Allele origin: germline.
Comment: The p.G1009V variant (also known as c.3026G>T), located in coding exon 31 of the FANCA gene, results from a G to T substitution at nucleotide position 3026. The glycine at codon 1009 is replaced by valine, an amino acid with dissimilar properties. This amino acid position is conserved. In addition, this alteration is predicted to be tolerated by in silico analysis. Based on the available evidence, the clinical significance of this variant remains unclear.

Quest Diagnostics Nichols Institute San Juan Capistrano
Classification: Uncertain significance. Last evaluated: 2024-10-29. Review status: criteria provided, single submitter. Criteria: Quest Diagnostics criteria. Collection method: clinical testing. Allele origin: unknown.
Comment: The FANCA c.3026G>T (p.Gly1009Val) variant has not been reported in individuals with FANCA-related conditions in the published literature. It also has not been reported in large, multi-ethnic general populations (Genome Aggregation Database). Analysis of this variant using bioinformatics tools for the prediction of the effect of amino acid changes on protein structure and function yielded conflicting predictions that this variant is benign or damaging. Based on the available information, we are unable to determine the clinical significance of this variant.

Labcorp Genetics (formerly Invitae), Labcorp
Classification: Uncertain significance for Fanconi anemia. Last evaluated: 2022-03-21. Review status: criteria provided, single submitter. Criteria: Invitae Variant Classification Sherloc (09022015). Collection method: clinical testing. Allele origin: germline.
Comment: This variant has not been reported in the literature in individuals affected with FANCA-related conditions. This sequence change replaces glycine, which is neutral and non-polar, with valine, which is neutral and non-polar, at codon 1009 of the FANCA protein (p.Gly1009Val). This variant is not present in population databases (gnomAD no frequency). Advanced modeling of protein sequence and biophysical properties (such as structural, functional, and spatial information, amino acid conservation, physicochemical variation, residue mobility, and thermodynamic stability) performed at Invitae indicates that this missense variant is not expected to disrupt FANCA protein function. In summary, the available evidence is currently insufficient to determine the role of this variant in disease. Therefore, it has been classified as a Variant of Uncertain Significance.